The following is an entry in ClinVar:

ClinVar aggregate classification (germline): Pathogenic (1 of 4 stars; one submission).

Conditions:
Ritscher-Schinzel syndrome 1 (RTSC1). Identifiers: Orphanet 7, MedGen C4551776, MONDO:0009073, OMIM 220210.

Submission:

Women's Health and Genetics/Laboratory Corporation of America, LabCorp
Classification: Pathogenic for Ritscher-Schinzel syndrome 1. Last evaluated: 2026-03-02. Review status: criteria provided, single submitter. Criteria: LabCorp Variant Classification Summary - May 2015. Collection method: clinical testing. Allele origin: germline.
Comment: Variant summary: WASHC5 c.2812C>T (p.Gln938X) results in a premature termination codon, predicted to cause a truncation of the encoded protein or absence of the protein due to nonsense mediated decay, which are commonly known mechanisms for disease. Loss of function variants in this gene are known to be pathogenic. The variant was absent in 251278 control chromosomes. To our knowledge, no occurrence of c.2812C>T in individuals affected with WASHC5-related conditions and no experimental evidence demonstrating its impact on protein function have been reported. No submitters have cited clinical-significance assessments for this variant to ClinVar. Based on the evidence outlined above, the variant was classified as pathogenic.

NM_014846.4(WASHC5):c.2812C>T (p.Gln938Ter)

Genes: WASHC5 (WASH complex subunit 5; minus strand), WASHC5-AS1 (WASHC5 antisense RNA 1; plus strand). Cytogenetic location: 8q24.13.
Variant type: single nucleotide variant.
Coding change: c.2812C>T on transcript NM_014846.4 (MANE Select); coding-DNA position 2812, C replaced by T.
Protein change: p.Gln938Ter; replaces glutamine 938 with a stop codon.
Molecular consequence: nonsense.
Genome position (GRCh38, 1-based): chr8:125,043,863, G>A on the plus strand (C>T on the coding strand, the complement: WASHC5 is on the minus strand). VCF-style: chr8-125043863-G-A. GRCh37 (hg19) VCF-style: chr8-126056105-G-A.
Other names: c.2368C>T, p.Gln790Ter (NM_001330609.2); short protein forms Q790*, Q938*.
Identifiers: ClinVar variation 4847578 (VCV004847578.1).